The following is an entry in ClinVar:

ClinVar aggregate classification (germline): Pathogenic (1 of 4 stars; one submission).

Conditions:
Cardiovascular phenotype. Identifiers: MedGen CN230736.

Submission:

Ambry Genetics
Classification: Pathogenic for Cardiovascular phenotype. Last evaluated: 2021-01-08. Review status: criteria provided, single submitter. Criteria: Ambry Variant Classification Scheme 2023. Collection method: clinical testing. Allele origin: germline.
Comment: The c.221dupC pathogenic mutation, located in coding exon 1 of the KCNQ1 gene, results from a duplication of C at nucleotide position 221, causing a translational frameshift with a predicted alternate stop codon (p.V75Sfs*210). This alteration is expected to result in loss of function by premature protein truncation or nonsense-mediated mRNA decay. As such, this alteration is interpreted as a disease-causing mutation.

NM_000218.3(KCNQ1):c.221dup (p.Val75fs)

Gene: KCNQ1 (potassium voltage-gated channel subfamily Q member 1; plus strand). Cytogenetic location: 11p15.5.
Variant type: Duplication.
Coding change: c.221dup on transcript NM_000218.3 (MANE Select); coding-DNA position 221, one base duplicated (C; older notation c.221dupC).
Protein change: p.Val75fs; shifts the reading frame from valine 75.
Molecular consequence: frameshift variant.
Genome position (GRCh38, 1-based): chr11:2,445,319, C duplicated; the last of 5 consecutive C bases (chr11:2,445,315-2,445,319); duplicating any one gives the same sequence. VCF-style (leftmost placement, unchanged base first): chr11-2445314-G-GC. GRCh37 (hg19) VCF-style: chr11-2466544-G-GC.
Other names: c.221dup, p.Val75Serfs (NM_001406836.1, NM_001406838.1); c.-142dup (NM_001406837.1); c.221dupC (NM_000218.2); short protein forms V75fs.
Identifiers: ClinVar variation 1787905 (VCV001787905.2), dbSNP rs2496742137, ClinGen allele CA2580082600.